The following is an entry in ClinVar:

NM_001130009.3(GEN1):c.2333G>T (p.Ser778Ile)

Gene: GEN1 (GEN1 Holliday junction 5' flap endonuclease; plus strand). Cytogenetic location: 2p24.2.
Variant type: single nucleotide variant.
Coding change: c.2333G>T on transcript NM_001130009.3 (MANE Select); coding-DNA position 2333, G replaced by T.
Protein change: p.Ser778Ile; replaces serine 778 with isoleucine.
Molecular consequence: missense variant.
Genome position (GRCh38, 1-based): chr2:17,781,545, G>T. VCF-style: chr2-17781545-G-T. GRCh37 (hg19) VCF-style: chr2-17962812-G-T.
Other names: c.2333G>T, p.Ser778Ile (NM_182625.5); short protein forms S778I.
Identifiers: ClinVar variation 4263080 (VCV004263080.1).

ClinVar aggregate classification (germline): Uncertain significance (1 of 4 stars; one submission).

Submission:

Ambry Genetics
Classification: Uncertain significance. Last evaluated: 2025-08-19. Review status: criteria provided, single submitter. Criteria: Ambry Variant Classification Scheme 2023. Collection method: clinical testing. Allele origin: germline.
Comment: The p.S778I variant (also known as c.2333G>T), located in coding exon 13 of the GEN1 gene, results from a G to T substitution at nucleotide position 2333. The serine at codon 778 is replaced by isoleucine, an amino acid with dissimilar properties. This amino acid position is conserved. In addition, this alteration is predicted to be tolerated by in silico analysis. Based on the available evidence, the clinical significance of this variant remains unclear.